The following is an entry in ClinVar:

ClinVar aggregate classification (germline): Uncertain significance (1 of 4 stars; one submission).

Submission:

Greenwood Genetic Center Diagnostic Laboratories, Greenwood Genetic Center
Classification: Uncertain significance. Last evaluated: 2023-04-19. Review status: criteria provided, single submitter. Criteria: ACMG Guidelines, 2015. Collection method: clinical testing. Allele origin: germline. Affected: yes.
Comment: PM2

NM_007118.4(TRIO):c.8366A>G (p.Lys2789Arg)

Gene: TRIO (trio Rho guanine nucleotide exchange factor; plus strand). Cytogenetic location: 5p15.2.
Variant type: single nucleotide variant.
Coding change: c.8366A>G on transcript NM_007118.4 (MANE Select); coding-DNA position 8366, A replaced by G.
Protein change: p.Lys2789Arg; replaces lysine 2789 with arginine.
Molecular consequence: missense variant. On other transcripts: non-coding transcript variant (1).
Genome position (GRCh38, 1-based): chr5:14,502,612, A>G. VCF-style: chr5-14502612-A-G. GRCh37 (hg19) VCF-style: chr5-14502721-A-G.
Other names: short protein forms K2789R.
Identifiers: ClinVar variation 2572352 (VCV002572352.1), dbSNP rs2477669095, ClinGen allele CA359239754.